The following is an entry in ClinVar:

ClinVar aggregate classification (somatic clinical impact): Tier I - Strong (1 of 4 stars; one submission).

Conditions:
Diffuse midline glioma, H3 K27M-mutant. Identifiers: MedGen C4289688, MONDO:0957196.

Submission:

Institute for Genomic Medicine (IGM) Clinical Laboratory, Nationwide Children's Hospital
Classification: Tier I - Strong for Diffuse midline glioma, H3 K27M-mutant. Assertion type: diagnostic. Clinical significance: supports diagnosis. Last evaluated: 2024-08-29. Review status: criteria provided, single submitter. Criteria: AMP/ASCO/CAP Guidelines, 2017. Collection method: clinical testing. Allele origin: somatic. Affected: yes.
Comment: Variant has Tier I (strong) clinical significance as a diagnostic inclusion criterion in diffuse midline glioma, H3 K27M-mutant, based on the following evidence: 1) Documented in one or more cancer databases (e.g., St. Jude Pecan, COSMIC, CIViC, OncoKB). 2) Appears in one or more well-established professional guidelines (e.g., World Health Organization [WHO]; National Comprehensive Cancer Network [NCCN]) as providing diagnostic, prognostic, or therapeutic information. 3) Information in the literature supports potential biologic effect of variant. 4) Diagnostic for a specific tumor type/classification according to professional guidelines (Evidence Level A).

NM_005228.5(EGFR):c.2320_2321insCCAACCCCCACG (p.His773_Val774insAlaAsnProHis)

Genes: EGFR (epidermal growth factor receptor; plus strand), EGFR-AS1 (EGFR antisense RNA 1; minus strand). Cytogenetic location: 7p11.2.
Variant type: Insertion.
Coding change: c.2320_2321insCCAACCCCCACG on transcript NM_005228.5 (MANE Select); coding-DNA positions 2320 to 2321, CCAACCCCCACG inserted.
Protein change: p.His773_Val774insAlaAsnProHis.
Molecular consequence: non-coding transcript variant (on NR_047551.1).
Genome position: GRCh38 VCF-style: chr7-55181318-A-ACAACCCCCACGC. GRCh37 (hg19) VCF-style: chr7-55249011-A-ACAACCCCCACGC.
Other names: c.2185_2186insCCAACCCCCACG, p.His728_Val729insAlaAsnProHis (NM_001346897.2, NM_001346899.2); c.2320_2321insCCAACCCCCACG, p.His773_Val774insAlaAsnProHis (NM_001346898.2); c.2161_2162insCCAACCCCCACG, p.His720_Val721insAlaAsnProHis (NM_001346900.2); c.1519_1520insCCAACCCCCACG, p.His506_Val507insAlaAsnProHis (NM_001346941.2).
Identifiers: ClinVar variation 4530048 (VCV004530048.1).